The following is an entry in ClinVar:

NM_000545.8(HNF1A):c.1745A>G (p.His582Arg)

Gene: HNF1A (HNF1 homeobox A; plus strand). Cytogenetic location: 12q24.31.
Variant type: single nucleotide variant.
Coding change: c.1745A>G on transcript NM_000545.8 (MANE Select); coding-DNA position 1745, A replaced by G.
Protein change: p.His582Arg; replaces histidine 582 with arginine.
Molecular consequence: missense variant.
Genome position (GRCh38, 1-based): chr12:120,999,604, A>G. VCF-style: chr12-120999604-A-G. GRCh37 (hg19) VCF-style: chr12-121437407-A-G.
Other names: NM_000545.8(HNF1A):c.1745A>G; c.1745A>G (NM_000545.6, NM_000545.6); c.1766A>G, p.His589Arg (NM_001306179.2); short protein forms H582R, H589R.
Identifiers: ClinVar variation 36811 (VCV000036811.8), dbSNP rs193922589, ClinGen allele CA214288.
Genomic context (GRCh38, chr12:120,999,604, plus strand): 5'-CCACCACCCTCCACGTCCCCAGCCAGGACCCTGCCAGCATCCAGCACCTGCAGCCGGCCC[A>G]CCGGCTCAGCGCCAGCCCCACAGGTGAGAGGCCCTGGCTCCACCCCCTCCCTTACTGTCC-3'
Protein context (NP_000536.6, residues 572-592): PASIQHLQPA[His582Arg]RLSASPTVSS

ClinVar aggregate classification (germline): Likely benign. Review status: reviewed by expert panel (3 of 4 stars). 6 submissions from 6 submitters: Likely benign (1). 5 of the submissions do not count toward it. Last evaluated 2024-08-01.

Conditions:
Monogenic diabetes. Identifiers: Orphanet 183625, MedGen C3888631, MONDO:0015967.
Type 2 diabetes mellitus. Also called: Type II diabetes mellitus. Identifiers: MedGen C0011860, MeSH D003924, MONDO:0005148, OMIM 125853, HP:0005978.
Diabetes mellitus type 1 (T1D). Also called: Type I diabetes mellitus; Diabetes Mellitus, Juvenile-Onset. Identifiers: MedGen C0011854, MONDO:0005147, OMIM 222100, HP:0100651.
Nonpapillary renal cell carcinoma. Identifiers: Orphanet 422526, MedGen CN074294, MONDO:0007763, OMIM 144700.
Hepatic adenomas, familial. Also called: HEPATIC ADENOMA, SOMATIC; LIVER CELL ADENOMAS, FAMILIAL. Identifiers: MedGen C1840646, MONDO:0007718, OMIM 142330.
Maturity-onset diabetes of the young type 3. Also called: MODY type 3; MODY, type III. Identifiers: Orphanet 552, MedGen C1838100, MeSH C563933, MONDO:0010894, OMIM 600496. Disease mechanism: loss of function.
Type 1 diabetes mellitus 20 (T1D20). Also called: Diabetes mellitus, insulin-dependent, 20. Identifiers: MedGen C2675866, MONDO:0012919, OMIM 612520.

Allele frequency attached by ClinVar (database versions not stated): TOPMed 0.00001; gnomAD exomes 0.00005 and 0.00003; ExAC 0.00005; gnomAD 0.00002.
gnomAD v4.1: 50 of 1,610,554 alleles (0.0031%); highest among the groups gnomAD compares: Admixed American, 0.0067%; no homozygotes.

Submissions (6):

ClinGen Monogenic Diabetes Variant Curation Expert Panel
Classification: Likely benign for Monogenic diabetes. Last evaluated: 2024-08-01. Review status: reviewed by expert panel. Criteria: ClinGen Diabetes ACMG Specifications HNF1A V2.1.0. Collection method: curation. Allele origin: germline. Inheritance: Autosomal dominant inheritance.
Comment: The c.1745A>G variant in the HNF1 homeobox A gene, HNF1A, causes an amino acid change of histidine to arginine at codon 582 (p.(His582Arg)) of NM_000545.8. This variant has a REVEL score of 0.6869, which is between the ClinGen MDEP thresholds, predicting neither a damaging nor benign impact on HNF1A function, and functional studies demonstrated the p.His582Arg protein has transactivation above 75% of wildtype, indicating that this variant does not impact protein function (PMID: 32910913) (BS3_Supporting). This variant has a Popmax Filtering allele frequency in gnomAD 2.1.1 of 0.00003916, which is greater than or equal to the MDEP threshold for BS1 (greater than or equal to 0.000033) (BS1). This variant was identified in at least 3 unrelated individuals with non- autoimmune and non-absolute/near-absolute insulin-deficient diabetes; however, PS4 cannot be applied because the variant MAF in gnomAD is above the ClinGen MDEP PM2_Supporting cutoff (ClinVar ID 36811, PMID: 27913849, PMID: 23624530, PMID: 23348805, internal lab contributor). In summary, the c.1745A>G variant meets the criteria to be classified as likely benign for monogenic diabetes. ACMG/AMP criteria applied, as specified by the ClinGen MDEP (specification version 1.2, approved 8/4/2022): PP4, BS1, BS3_Supporting.

Fulgent Genetics
Classification: Uncertain significance for Type 2 diabetes mellitus; Hepatic adenomas, familial; Nonpapillary renal cell carcinoma; Diabetes mellitus type 1; Maturity-onset diabetes of the young type 3; Type 1 diabetes mellitus 20. Last evaluated: 2024-01-23. Review status: criteria provided, single submitter. Criteria: ACMG Guidelines, 2015. Collection method: clinical testing. Allele origin: germline. Not counted in ClinVar's aggregate classification.

Labcorp Genetics (formerly Invitae), Labcorp
Classification: Uncertain significance. Last evaluated: 2023-11-14. Review status: criteria provided, single submitter. Criteria: Invitae Variant Classification Sherloc (09022015). Collection method: clinical testing. Allele origin: germline. Not counted in ClinVar's aggregate classification.
Comment: This sequence change replaces histidine, which is basic and polar, with arginine, which is basic and polar, at codon 582 of the HNF1A protein (p.His582Arg). This variant is present in population databases (rs193922589, gnomAD 0.01%). This missense change has been observed in individual(s) with diabetes (PMID: 23348805, 23624530, 36208030). ClinVar contains an entry for this variant (Variation ID: 36811). Advanced modeling of protein sequence and biophysical properties (such as structural, functional, and spatial information, amino acid conservation, physicochemical variation, residue mobility, and thermodynamic stability) performed at Invitae indicates that this missense variant is expected to disrupt HNF1A protein function with a positive predictive value of 95%. Experimental studies have shown that this missense change does not substantially affect HNF1A function (PMID: 32910913). In summary, the available evidence is currently insufficient to determine the role of this variant in disease. Therefore, it has been classified as a Variant of Uncertain Significance.

Women's Health and Genetics/Laboratory Corporation of America, LabCorp
Classification: Likely benign. Last evaluated: 2023-08-22. Review status: criteria provided, single submitter. Criteria: LabCorp Variant Classification Summary - May 2015. Collection method: clinical testing. Allele origin: germline. Not counted in ClinVar's aggregate classification.
Comment: Variant summary: HNF1A c.1745A>G (p.His582Arg) results in a non-conservative amino acid change located in the Hepatocyte nuclear factor 1, alpha isoform C-terminal domain (IPR006898) of the encoded protein sequence. Five of five in-silico tools predict a damaging effect of the variant on protein function. The variant allele was found at a frequency of 5.4e-05 in 240596 control chromosomes. The observed variant frequency is approximately 2.2 fold of the estimated maximal expected allele frequency for a pathogenic variant in HNF1A causing Maturity Onset Diabetes Of The Young 3 phenotype (2.5e-05), strongly suggesting that the variant is benign. c.1745A>G has been reported in the literature in at-least one individual with features of Monogenic Diabetes (Irgens_2013 cited in Johansson_2017) and in settings of national MODY registries, mutational updates and the UK Biobank cohort reporting a case with diabetes as well as in unaffected controls (example, Colclough_2013, Flannick_2016, Billings_2022). These data do not allow any conclusion about variant significance. At least one publication reports experimental evidence evaluating an impact on protein function (Althari_2020). These results showed no damaging effect of this variant as measured on transactivation and nuclear localization assays in-vitro. The following publications have been ascertained in the context of this evaluation (PMID: 32910913, 36208030, 23348805, 27080136, 23624530, 27913849). One submitter has cited clinical-significance assessments for this variant to ClinVar after 2014 and has classified the variant as uncertain significance. Based on the evidence outlined above, the variant was classified as likely benign.

Laboratory for Molecular Medicine, Mass General Brigham Personalized Medicine
Classification: Uncertain significance. Last evaluated: 2022-06-12. Review status: criteria provided, single submitter. Criteria: ACMG Guidelines, 2015. Collection method: clinical testing. Allele origin: germline. Not counted in ClinVar's aggregate classification.
Comment: The p.His582Arg variant in HNF1A has been reported in at least three individuals with monogenic diabetes (Irgens 2013 PMID: 23624530, Johansson 2017 PMID: 27913849, Colclough 2013 PMID: 23348805, Althari 2020 PMID: 32910913) and has also been reported in ClinVar (Variation ID: 36811). It has been identified in 0.012% (4/35138) of Latino chromosomes by gnomAD. Computational prediction tools and conservation analyses do not provide strong support for or against an impact to the protein. In vitro functional studies provide some evidence that this variant does not impact protein function (Althari 2020 PMID: 32910913); however, these types of assays may not accurately represent biological function. In summary, the clinical significance of the p.His582Arg variant is uncertain. ACMG/AMP Criteria applied: PS4_Moderate, PM2_Supporting, BS3_Supporting.

Broad Center for Mendelian Genomics, Broad Institute of MIT and Harvard
Classification: Uncertain significance for Monogenic diabetes. Last evaluated: 2020-01-22. Review status: criteria provided, single submitter. Criteria: ACMG Guidelines, 2015. Collection method: curation. Allele origin: germline. Inheritance: Autosomal dominant inheritance. Not counted in ClinVar's aggregate classification.
Comment: Although this variant has been seen in the general population, its frequency is low enough to be consistent with a carrier frequency. Please note that for diseases with clinical variability, or reduced penetrance, pathogenic variants may be present at a low frequency in the general population. This variant has also been reported likely pathogenic in ClinVar and as a VUS in the literature (Variation ID: 36811; PMID: 27080136). Computational prediction tools and conservation analyses do not provide strong support for or against an impact to the protein. In summary, the clinical significance of the p.His582Arg variant is uncertain. ACMG/AMP Criteria applied: PM2_Supporting, PS4_Supporting (Richards 2015).

Literature cited by the submitters: PubMed 23348805 (cited by 3 submitters); PubMed 23624530 (cited by 3 submitters); PubMed 36208030 (cited by Labcorp Genetics (formerly Invitae), Labcorp and Women's Health and Genetics/Laboratory Corporation of America, LabCorp); PubMed 32910913 (cited by Labcorp Genetics (formerly Invitae), Labcorp and Women's Health and Genetics/Laboratory Corporation of America, LabCorp); PubMed 27913849 (cited by Women's Health and Genetics/Laboratory Corporation of America, LabCorp and Broad Center for Mendelian Genomics, Broad Institute of MIT and Harvard); PubMed 27080136 (cited by Women's Health and Genetics/Laboratory Corporation of America, LabCorp).